The following is an entry in ClinVar:

ClinVar aggregate classification (germline): Likely benign. Review status: reviewed by expert panel (3 of 4 stars). 15 submissions from 15 submitters: Likely benign (1). 14 of the submissions do not count toward it. Last evaluated 2024-05-07.

Conditions:
Cardiovascular phenotype. Identifiers: MedGen CN230736.
Glycogen storage disease, type II (IOPD). Also called: POMPE DISEASE, INFANTILE-ONSET; GLYCOGEN STORAGE DISEASE II, INFANTILE-ONSET; ACID ALPHA-GLUCOSIDASE DEFICIENCY, INFANTILE-ONSET; GAA DEFICIENCY, INFANTILE-ONSET; ACID MALTASE DEFICIENCY, INFANTILE-ONSET; Glucosidase acid-1,4-alpha deficiency. Identifiers: Orphanet 365, MedGen C0017921, MONDO:0009290, OMIM 232300.

Allele frequency attached by ClinVar (database versions not stated): gnomAD 0.00010 and 0.00013; gnomAD exomes 0.00010 and 0.00018; TOPMed 0.00010; 1000 Genomes Project 30x 0.00016; 1000 Genomes Project 0.00020; ExAC 0.00032.
gnomAD v4.1: 171 of 1,610,512 alleles (0.011%); highest among the groups gnomAD compares: East Asian, 0.067%; 1 homozygote.

Submissions (15):

ClinGen Lysosomal Storage Disorder Variant Curation Expert Panel
Classification: Likely benign for Glycogen storage disease, type II. Last evaluated: 2024-05-07. Review status: reviewed by expert panel. Criteria: clingen_lsd_acmg_specifications_v2-1. Collection method: curation. Allele origin: germline. Inheritance: Autosomal recessive inheritance.
Comment: The NM_000152.5:c.1920T>G variant in GAA is a synonymous (silent) variant that does not change the encoded amino acid (p.Pro640=) and is not predicted to impact splicing. This variant has not been reported as disease-causing in an individual with Pompe disease. It has been described as a polymorphism in a cohort of patients with infantile or juvenile-onset Pompe disease from Taiwan (PMID:18458862). It was also reported in two patients in a European cohort with limb-girdle muscle weakness without a second variant (PMID: 29149851). Thus, there is insufficient data to apply PP4. The highest population minor allele frequency in gnomAD v3.1.2 is [0.001534] (8/5184 alleles) in East Asian population. This is higher than the ClinGen Lysosomal Diseases VCEP’s threshold for PM2_Supporting (<0.001), and lower than the threshold for BS1 (>0.005). Therefore none of the population data codes are met. This variant is a synonymous (silent) variant that is not predicted by SpliceAI to impact splicing. In addition, it occurs at a nucleotide that is not conserved as shown by PhyloP100 (-2.182) and PhastCons (0.000) (BP4, BP7). There is a ClinVar entry for this variant (Variation ID: 255358; 1-star review status) with 10 submitters classifying the variant as uncertain significance (4) or likely benign (6). In summary, this variant meets the criteria to be classified as likely benign for Pompe disease based on the ACMG/AMP criteria applied, as specified by the ClinGen Lysosomal Diseases Variant Curation Expert panel (Specifications Version 2.0): BP4, BP7. (Classification approved by the ClinGen Lysosomal Diseases Variant Curation Expert Panel on May 7, 2024).

Genomenon, Inc
Classification: Likely benign for Glycogen storage disease, type II. Last evaluated: 2026-07-01. Review status: criteria provided, single submitter. Criteria: Genomenon Sequence Variant Interpretation Standards - Updated. Collection method: curation. Allele origin: germline. Affected: no. Not counted in ClinVar's aggregate classification.
Comment: GAA c.1920T>G is a synonymous variant that retains Proline at codon 640. This variant has been reported in the published literature (PMID:29149851;24444888;18458862). It is absent or not present at a significant frequency in gnomAD. This variant is not predicted to impact splicing. In conclusion, we classify GAA c.1920T>G (p.Pro640=) as a likely benign variant.

Labcorp Genetics (formerly Invitae), Labcorp
Classification: Likely benign for Glycogen storage disease, type II. Last evaluated: 2026-01-09. Review status: criteria provided, single submitter. Criteria: Invitae Variant Classification Sherloc (09022015). Collection method: clinical testing. Allele origin: germline. Not counted in ClinVar's aggregate classification.

CeGaT Center for Human Genetics Tuebingen
Classification: Likely benign. Last evaluated: 2025-06-01. Review status: criteria provided, single submitter. Criteria: CeGaT Center For Human Genetics Tuebingen Variant Classification Criteria Version 2. Collection method: clinical testing. Allele origin: germline. Affected: yes. Observed: 5 variant alleles. Not counted in ClinVar's aggregate classification.
Comment: GAA: BP4, BP7

Blueprint Genetics
Classification: Likely benign. Last evaluated: 2024-08-16. Review status: criteria provided, single submitter. Criteria: ACMG Guidelines, 2015. Collection method: clinical testing. Allele origin: germline. Not counted in ClinVar's aggregate classification.

Revvity Omics, Revvity
Classification: Likely benign. Last evaluated: 2024-05-21. Review status: criteria provided, single submitter. Criteria: ACMG Guidelines, 2015. Collection method: clinical testing. Allele origin: germline. Not counted in ClinVar's aggregate classification.

Ambry Genetics
Classification: Likely benign for Cardiovascular phenotype. Last evaluated: 2022-08-03. Review status: criteria provided, single submitter. Criteria: Ambry Variant Classification Scheme 2023. Collection method: clinical testing. Allele origin: germline. Not counted in ClinVar's aggregate classification.

GeneDx
Classification: Likely benign. Last evaluated: 2021-09-14. Review status: criteria provided, single submitter. Criteria: GeneDx Variant Classification Process June 2021. Collection method: clinical testing. Allele origin: germline. Affected: yes. Not counted in ClinVar's aggregate classification.
Comment: This variant is associated with the following publications: (PMID: 24444888, 18458862)

Genome-Nilou Lab
Classification: Uncertain significance for Glycogen storage disease, type II. Last evaluated: 2021-07-22. Review status: criteria provided, single submitter. Criteria: ACMG Guidelines, 2015. Collection method: clinical testing. Allele origin: germline. Affected: no. Not counted in ClinVar's aggregate classification.

Broad Center for Mendelian Genomics, Broad Institute of MIT and Harvard
Classification: Uncertain significance for Glycogen storage disease, type II. Last evaluated: 2020-01-22. Review status: criteria provided, single submitter. Criteria: ACMG Guidelines, 2015. Collection method: curation. Allele origin: germline. Inheritance: Autosomal recessive inheritance. Not counted in ClinVar's aggregate classification.
Comment: The c.1920T>G (p.Pro640=) variant in GAA has not been reported in individuals with Glycogen Storage Disease II but has been reported in 2 European individuals with unexplained limb-girdle muscle weakness (PMID: 29149851). This variant has also been reported likely benign (by GeneDx, PreventionGenetics, Mayo Clinic Genetic Testing Laboratories, and Invitae) and as a VUS by EGL in ClinVar (Variation ID: 255358). This variant has been identified in 0.09150% (18/19672) of East Asian chromosomes, 0.04553% (11/24162) of European (Finnish) chromosomes, and 0.01683% (21/124752) of European (non-Finnish) chromosomes by the Genome Aggregation Database (gnomAD; dbSNP rs144090460). Although this variant has been seen in the general population, its frequency is low enough to be consistent with a recessive carrier frequency. Computational prediction tools and conservation analyses suggest that this variant may not impact the protein, though this information is not predictive enough to rule out pathogenicity. However, novel synonymous variants supported by computational evidence without raised suspicion for an impact are likely benign (Richards 2015). In summary, although additional studies are required to fully establish its clinical significance, this variant is likely benign. ACMG/AMP Criteria applied: PM2, BP4, BP7 (Richards 2015).

Illumina Laboratory Services, Illumina
Classification: Uncertain significance for Glycogen storage disease, type II. Last evaluated: 2017-04-28. Review status: criteria provided, single submitter. Criteria: ICSL Variant Classification Criteria 13 December 2019. Collection method: clinical testing. Allele origin: germline. Not counted in ClinVar's aggregate classification.
Comment: This variant was observed as part of a predisposition screen in an ostensibly healthy population. A literature search was performed for the gene, cDNA change, and amino acid change (where applicable). Publications were found based on this search. However, the evidence from the literature, in combination with allele frequency data from public databases where available, was not sufficient to rule this variant in or out of causing disease. Therefore, this variant is classified as a variant of unknown significance.

Eurofins Ntd Llc (ga)
Classification: Uncertain significance. Last evaluated: 2015-11-11. Review status: criteria provided, single submitter. Criteria: EGL Classification Definitions 2015. Collection method: clinical testing. Allele origin: germline. Observed: 2 variant alleles, 2 heterozygotes. Not counted in ClinVar's aggregate classification.

PreventionGenetics, part of Exact Sciences
Classification: Likely benign. Review status: criteria provided, single submitter. Criteria: ACMG Guidelines, 2015. Collection method: clinical testing. Allele origin: germline. Not counted in ClinVar's aggregate classification.

Natera, Inc.
Classification: Likely benign for Glycogen storage disease type II. Last evaluated: 2020-01-15. Review status: no assertion criteria provided. Collection method: clinical testing. Allele origin: germline. Not counted in ClinVar's aggregate classification.

Mayo Clinic Laboratories, Mayo Clinic
Classification: Likely benign. Last evaluated: 2017-05-10. Review status: no assertion criteria provided. Collection method: clinical testing. Allele origin: unknown. Not counted in ClinVar's aggregate classification.

Literature cited by the submitters: PubMed 29149851 (cited by Genomenon, Inc); PubMed 24444888 (cited by Genomenon, Inc and Illumina Laboratory Services, Illumina); PubMed 18458862 (cited by Genomenon, Inc and Illumina Laboratory Services, Illumina).

NM_000152.5(GAA):c.1920T>G (p.Pro640=)

Gene: GAA (alpha glucosidase; plus strand). Cytogenetic location: 17q25.3.
Variant type: single nucleotide variant.
Coding change: c.1920T>G on transcript NM_000152.5 (MANE Select); coding-DNA position 1920, T replaced by G.
Protein change: p.Pro640=; no amino-acid change (proline 640 retained).
Molecular consequence: synonymous variant.
Genome position (GRCh38, 1-based): chr17:80,112,907, T>G. VCF-style: chr17-80112907-T-G. GRCh37 (hg19) VCF-style: chr17-78086706-T-G.
Other names: NM_000152.5(GAA):c.1920T>G; c.1920T>G (LRG_673t1); c.1920T>G, p.Pro640= (NM_001079803.3, NM_001079804.3).
Identifiers: ClinVar variation 255358 (VCV000255358.73), dbSNP rs144090460, ClinGen allele CA8815546.